The following is an entry in ClinVar:

ClinVar aggregate classification (germline): Uncertain significance (1 of 4 stars; one submission).

Conditions:
GOLGA4-related disorder. Also called: GOLGA4-related condition.

Submission:

PreventionGenetics, part of Exact Sciences
Classification: Uncertain significance for GOLGA4-related condition. Last evaluated: 2024-12-13. Review status: criteria provided, single submitter. Criteria: ACMG Guidelines, 2015. Collection method: clinical testing. Allele origin: germline.
Comment: The GOLGA4 c.4022A>T variant is predicted to result in the amino acid substitution p.Glu1341Val. To our knowledge, this variant has not been reported in the literature or in a large population database (gnomAD), indicating this variant is rare. At this time, the clinical significance of this variant is uncertain due to the absence of conclusive functional and genetic evidence.

NM_002078.5(GOLGA4):c.3956A>T (p.Glu1319Val)

Gene: GOLGA4 (golgin A4; plus strand). Cytogenetic location: 3p22.2.
Variant type: single nucleotide variant.
Coding change: c.3956A>T on transcript NM_002078.5 (MANE Select); coding-DNA position 3956, A replaced by T.
Protein change: p.Glu1319Val; replaces glutamic acid 1319 with valine.
Molecular consequence: missense variant.
Genome position (GRCh38, 1-based): chr3:37,325,842, A>T. VCF-style: chr3-37325842-A-T. GRCh37 (hg19) VCF-style: chr3-37367333-A-T.
Other names: c.4022A>T, p.Glu1341Val (NM_001172713.3, NM_001410721.2, NM_001429191.1); c.4073A>T, p.Glu1358Val (NM_001429190.1); c.3908A>T, p.Glu1303Val (NM_001429193.1); c.3974A>T, p.Glu1325Val (NM_001429196.1, NM_001429198.1); c.3956A>T, p.Glu1319Val (NM_001429201.1); c.3917A>T, p.Glu1306Val (NM_001429202.1); short protein forms E1303V, E1341V, E1358V, E1319V, E1306V, E1325V.
Identifiers: ClinVar variation 5000156 (VCV005000156.1).
Genomic context (GRCh38, chr3:37,325,842, plus strand): 5'-TAGAAGAAAAAGAAAATCAAATTAAGAGCATGAAGGCTGATATTGAAAGTCTTGTAACAG[A>T]AAAAGAAGCCTTACAGAAGGAAGGAGGCAATCAGCAACAGGCTGCTTCTGAAAAGGAGTC-3'
Protein context (NP_002069.2, residues 1309-1329): MKADIESLVT[Glu1319Val]KEALQKEGGN